The following is an entry in ClinVar:

NM_001267550.2(TTN):c.103774C>A (p.Pro34592Thr)

Genes: TTN-AS1 (TTN antisense RNA 1; plus strand), TTN (titin; minus strand). Cytogenetic location: 2q31.2.
Variant type: single nucleotide variant.
Coding change: c.103774C>A on transcript NM_001267550.2 (MANE Select); coding-DNA position 103774, C replaced by A.
Protein change: p.Pro34592Thr; replaces proline 34592 with threonine.
Molecular consequence: missense variant.
Genome position (GRCh38, 1-based): chr2:178,532,841, G>T on the plus strand (C>A on the coding strand, the complement: TTN is on the minus strand). VCF-style: chr2-178532841-G-T. GRCh37 (hg19) VCF-style: chr2-179397568-G-T.
Other names: c.98851C>A, p.Pro32951Thr (NM_001256850.1); c.76579C>A, p.Pro25527Thr (NM_003319.4); c.96070C>A, p.Pro32024Thr (NM_133378.4); c.76954C>A, p.Pro25652Thr (NM_133432.3); c.77155C>A, p.Pro25719Thr (NM_133437.4); short protein forms P25527T, P25652T, P25719T, P32024T, P32951T, P34592T.
Identifiers: ClinVar variation 1311236 (VCV001311236.6), dbSNP rs748291093, ClinGen allele CA1985545.

ClinVar aggregate classification (germline): Uncertain significance. Review status: criteria provided, multiple submitters, no conflicts (2 of 4 stars). 2 submissions from 2 submitters: Uncertain significance (2). Last evaluated 2025-12-20.

Conditions:
Autosomal recessive limb-girdle muscular dystrophy type 2J (LGMDR10). Also called: MUSCULAR DYSTROPHY, LIMB-GIRDLE, AUTOSOMAL RECESSIVE 10; Limb-girdle muscular dystrophy, type 2J. Identifiers: Orphanet 140922, MedGen C1837342, MONDO:0012127, OMIM 608807.
Dilated cardiomyopathy 1G (CMD1G). Identifiers: Orphanet 154, MedGen C1858763, MONDO:0011400, OMIM 604145.

Allele frequency attached by ClinVar (database versions not stated): gnomAD 0.00001; 1000 Genomes Project 30x 0.00016.
gnomAD v4.1: 12 of 1,613,926 alleles (0.00074%); highest among the groups gnomAD compares: South Asian, 0.011%; no homozygotes.

Submissions (2):

Labcorp Genetics (formerly Invitae), Labcorp
Classification: Uncertain significance for Dilated cardiomyopathy 1G; Autosomal recessive limb-girdle muscular dystrophy type 2J. Last evaluated: 2025-12-20. Review status: criteria provided, single submitter. Criteria: Invitae Variant Classification Sherloc (09022015). Collection method: clinical testing. Allele origin: germline.
Comment: This sequence change replaces proline, which is neutral and non-polar, with threonine, which is neutral and polar, at codon 34592 of the TTN protein (p.Pro34592Thr). This variant is present in population databases (rs748291093, gnomAD 0.01%). This variant has not been reported in the literature in individuals affected with TTN-related conditions. ClinVar contains an entry for this variant (Variation ID: 1311236). Experimental studies and prediction algorithms are not available or were not evaluated, and the functional significance of this variant is currently unknown. This variant is located in the M band of TTN (PMID: 25589632). Non-truncating variants in this region may be relevant for neuromuscular disorders, but have not been definitively shown to cause cardiomyopathy (PMID: 23975875). In summary, the available evidence is currently insufficient to determine the role of this variant in disease. Therefore, it has been classified as a Variant of Uncertain Significance.

GeneDx
Classification: Uncertain significance. Last evaluated: 2019-12-24. Review status: criteria provided, single submitter. Criteria: GeneDx Variant Classification Process June 2021. Collection method: clinical testing. Allele origin: germline. Affected: yes.
Comment: Not observed at a significant frequency in large population cohorts (Lek et al., 2016); Has not been previously published as pathogenic or benign to our knowledge

Literature cited by the submitters: PubMed 25589632 (cited by Labcorp Genetics (formerly Invitae), Labcorp); PubMed 23975875 (cited by Labcorp Genetics (formerly Invitae), Labcorp).